The following is an entry in ClinVar:

ClinVar aggregate classification (germline): Uncertain significance. Review status: criteria provided, multiple submitters, no conflicts (2 of 4 stars). 2 submissions from 2 submitters: Uncertain significance (2). Last evaluated 2023-11-16.

Conditions:
Iodotyrosyl coupling defect (TDH3). Also called: THYROID HORMONOGENESIS, GENETIC DEFECT IN, 3; HYPOTHYROIDISM, CONGENITAL, DUE TO DYSHORMONOGENESIS, 3. Identifiers: Orphanet 95716, MedGen C0342194, MONDO:0010135, OMIM 274700.

gnomAD v4.1: 47 of 1,614,066 alleles (0.0029%); highest among the groups gnomAD compares: East Asian, 0.029%; no homozygotes.

Submissions (2):

Women's Health and Genetics/Laboratory Corporation of America, LabCorp
Classification: Uncertain significance. Last evaluated: 2023-11-16. Review status: criteria provided, single submitter. Criteria: LabCorp Variant Classification Summary - May 2015. Collection method: clinical testing. Allele origin: germline.
Comment: Variant summary: TG c.3040G>A (p.Asp1014Asn) results in a conservative amino acid change located in the thyroglobulin type-1 domain (IPR000716) of the encoded protein sequence. Five of five in-silico tools predict a benign effect of the variant on protein function. The variant allele was found at a frequency of 4.8e-05 in 251466 control chromosomes (gnomAD). c.3040G>A has been reported in the literature as a VUS in the heterozygous state in an individual affected with permanent congenital hypothyroidism who also harbored a heterozygous VUS in the DUOXA2 gene (Yang_2021). This report does not provide unequivocal conclusions about association of the variant with TG-Related Disorders. To our knowledge, no experimental evidence demonstrating an impact on protein function has been reported. The following publication has been ascertained in the context of this evaluation (PMID: 34456971). One submitter has cited a clinical-significance assessments for this variant to ClinVar after 2014 and has classified the variant as uncertain significance. Based on the evidence outlined above, the variant was classified as uncertain significance.

Revvity Omics, Revvity
Classification: Uncertain significance for Iodotyrosyl coupling defect. Last evaluated: 2022-10-08. Review status: criteria provided, single submitter. Criteria: ACMG Guidelines, 2015. Collection method: clinical testing. Allele origin: germline.

Literature cited by the submitters: PubMed 34456971 (cited by Women's Health and Genetics/Laboratory Corporation of America, LabCorp).

NM_003235.5(TG):c.3040G>A (p.Asp1014Asn)

Gene: TG (thyroglobulin; plus strand). Cytogenetic location: 8q24.22.
Variant type: single nucleotide variant.
Coding change: c.3040G>A on transcript NM_003235.5 (MANE Select); coding-DNA position 3040, G replaced by A.
Protein change: p.Asp1014Asn; replaces aspartic acid 1014 with asparagine.
Molecular consequence: missense variant.
Genome position (GRCh38, 1-based): chr8:132,897,687, G>A. VCF-style: chr8-132897687-G-A. GRCh37 (hg19) VCF-style: chr8-133909932-G-A.
Other names: short protein forms D1014N.
Identifiers: ClinVar variation 2437062 (VCV002437062.4), dbSNP rs114772213, ClinGen allele CA4883599.